The following is an entry in ClinVar:

ClinVar aggregate classification (germline): Likely benign. Review status: criteria provided, multiple submitters, no conflicts (2 of 4 stars). 2 submissions from 2 submitters: Likely benign (2). Last evaluated 2025-03-13.

Conditions:
PRPF3-related disorder. Also called: PRPF3-related condition.

Allele frequency attached by ClinVar (database versions not stated): TOPMed 0.00002.
gnomAD v4.1: 13 of 1,611,262 alleles (0.00081%); highest among the groups gnomAD compares: East Asian, 0.027%; no homozygotes.

Submissions (2):

Labcorp Genetics (formerly Invitae), Labcorp
Classification: Likely benign. Last evaluated: 2025-03-13. Review status: criteria provided, single submitter. Criteria: Invitae Variant Classification Sherloc (09022015). Collection method: clinical testing. Allele origin: germline.

PreventionGenetics, part of Exact Sciences
Classification: Likely benign for PRPF3-related condition. Last evaluated: 2025-02-12. Review status: criteria provided, single submitter. Criteria: ACMG Guidelines, 2015. Collection method: clinical testing. Allele origin: germline.
Comment: This variant is classified as likely benign based on ACMG/AMP sequence variant interpretation guidelines (Richards et al. 2015 PMID: 25741868, with internal and published modifications).

NM_004698.4(PRPF3):c.1905+6T>G

Gene: PRPF3 (pre-mRNA processing factor 3; plus strand). Cytogenetic location: 1q21.2.
Variant type: single nucleotide variant.
Coding change: c.1905+6T>G on transcript NM_004698.4 (MANE Select); 6 bases into the intron after coding-DNA position 1905, T replaced by G.
Molecular consequence: intron variant.
Genome position (GRCh38, 1-based): chr1:150,349,224, T>G. VCF-style: chr1-150349224-T-G. GRCh37 (hg19) VCF-style: chr1-150321700-T-G.
Other names: c.1905+6T>G (NM_004698.2); c.1500+6T>G (NM_001350529.1).
Identifiers: ClinVar variation 2038370 (VCV002038370.5), dbSNP rs587615563, ClinGen allele CA1075733.